The following is an entry in ClinVar:

ClinVar aggregate classification (germline): Uncertain significance (1 of 4 stars; one submission).

Conditions:
Ehlers-Danlos syndrome, kyphoscoliotic type 1 (EDSKSCL1). Also called: Ehlers-Danlos syndrome, hydroxylysine-deficient; EHLERS-DANLOS SYNDROME, OCULAR-SCOLIOTIC TYPE; PLOD1-Related Kyphoscoliotic Ehlers-Danlos Syndrome; EHLERS-DANLOS SYNDROME, TYPE VIA. Identifiers: Orphanet 1900, MedGen C0268342, MONDO:0016002, OMIM 225400. Disease mechanism: loss of function.

gnomAD v4.1: 2 of 1,614,046 alleles (0.00012%); highest among the groups gnomAD compares: Non-Finnish European, 0.00017%; no homozygotes.

Submission:

Labcorp Genetics (formerly Invitae), Labcorp
Classification: Uncertain significance for Ehlers-Danlos syndrome, kyphoscoliotic type 1. Last evaluated: 2024-08-19. Review status: criteria provided, single submitter. Criteria: Invitae Variant Classification Sherloc (09022015). Collection method: clinical testing. Allele origin: germline.
Comment: This sequence change affects codon 108 of the PLOD1 mRNA. It is a 'silent' change, meaning that it does not change the encoded amino acid sequence of the PLOD1 protein. This variant is not present in population databases (gnomAD no frequency). This variant has not been reported in the literature in individuals affected with PLOD1-related conditions. Algorithms developed to predict the effect of sequence changes on RNA splicing suggest that this variant may create or strengthen a splice site. In summary, the available evidence is currently insufficient to determine the role of this variant in disease. Therefore, it has been classified as a Variant of Uncertain Significance.

NM_000302.4(PLOD1):c.324G>A (p.Ser108=)

Gene: PLOD1 (procollagen-lysine,2-oxoglutarate 5-dioxygenase 1; plus strand). Cytogenetic location: 1p36.22.
Variant type: single nucleotide variant.
Coding change: c.324G>A on transcript NM_000302.4 (MANE Select); coding-DNA position 324, G replaced by A.
Protein change: p.Ser108=; no amino-acid change (serine 108 retained).
Molecular consequence: synonymous variant.
Genome position (GRCh38, 1-based): chr1:11,950,378, G>A. VCF-style: chr1-11950378-G-A. GRCh37 (hg19) VCF-style: chr1-12010435-G-A.
Other names: c.465G>A, p.Ser155= (NM_001316320.2).
Identifiers: ClinVar variation 3615974 (VCV003615974.1).